The following is an entry in ClinVar:

ClinVar aggregate classification (germline): Uncertain significance. Review status: criteria provided, multiple submitters, no conflicts (2 of 4 stars). 5 submissions from 5 submitters: Uncertain significance (5). Last evaluated 2026-05-14.

Conditions:
NPHP4-related disorder. Also called: NPHP4-related disorders; NPHP4-related condition. Identifiers: MedGen CN239384.
Inborn genetic diseases. Identifiers: MedGen C0950123, MeSH D030342.
Nephronophthisis. Also called: Juvenile Nephronophthisis. Identifiers: Orphanet 655, MedGen C0687120, MONDO:0019005, HP:0000090.
Senior-Loken syndrome 4 (SLSN4). Identifiers: Orphanet 3156, MedGen C1846979, MONDO:0011756, OMIM 606996.
Nephronophthisis 4 (NPHP4). Also called: NEPHRONOPHTHISIS 4, JUVENILE. Identifiers: Orphanet 655, MedGen C1847013, MONDO:0011752, OMIM 606966.

Allele frequency attached by ClinVar (database versions not stated): gnomAD exomes 0.00002 and 0.00008; TOPMed 0.00024.
gnomAD v4.1: 69 of 1,613,774 alleles (0.0043%); highest among the groups gnomAD compares: Admixed American, 0.11%; no homozygotes.

Submissions (5):

PreventionGenetics, part of Exact Sciences
Classification: Uncertain significance for NPHP4-related condition. Last evaluated: 2026-05-14. Review status: criteria provided, single submitter. Criteria: ACMG Guidelines, 2015. Collection method: clinical testing. Allele origin: germline.
Comment: The NPHP4 c.2093C>T variant is predicted to result in the amino acid substitution p.Ala698Val. To our knowledge, this variant has not been reported in the literature. This variant is reported in 0.052% of alleles in individuals of Latino descent in gnomAD. At this time, the clinical significance of this variant is uncertain due to the absence of conclusive functional and genetic evidence.

Ambry Genetics
Classification: Uncertain significance for Inborn genetic diseases. Last evaluated: 2024-06-02. Review status: criteria provided, single submitter. Criteria: Ambry Variant Classification Scheme 2023. Collection method: clinical testing. Allele origin: germline.

Fulgent Genetics
Classification: Uncertain significance for Nephronophthisis 4; Senior-Loken syndrome 4. Last evaluated: 2024-02-02. Review status: criteria provided, single submitter. Criteria: ACMG Guidelines, 2015. Collection method: clinical testing. Allele origin: germline.

Labcorp Genetics (formerly Invitae), Labcorp
Classification: Uncertain significance for Nephronophthisis. Last evaluated: 2022-06-13. Review status: criteria provided, single submitter. Criteria: Invitae Variant Classification Sherloc (09022015). Collection method: clinical testing. Allele origin: germline.
Comment: This sequence change replaces alanine, which is neutral and non-polar, with valine, which is neutral and non-polar, at codon 698 of the NPHP4 protein (p.Ala698Val). This variant is present in population databases (rs745698836, gnomAD 0.06%). This variant has not been reported in the literature in individuals affected with NPHP4-related conditions. ClinVar contains an entry for this variant (Variation ID: 500245). Algorithms developed to predict the effect of missense changes on protein structure and function (SIFT, PolyPhen-2, Align-GVGD) all suggest that this variant is likely to be tolerated. In summary, the available evidence is currently insufficient to determine the role of this variant in disease. Therefore, it has been classified as a Variant of Uncertain Significance.

Eurofins Ntd Llc (ga)
Classification: Uncertain significance. Last evaluated: 2017-10-04. Review status: criteria provided, single submitter. Criteria: EGL Classification Definitions 2015. Collection method: clinical testing. Allele origin: germline. Observed: 4 variant alleles, 4 heterozygotes.

NM_015102.5(NPHP4):c.2093C>T (p.Ala698Val)

Gene: NPHP4 (nephrocystin 4; minus strand). Cytogenetic location: 1p36.31.
Variant type: single nucleotide variant.
Coding change: c.2093C>T on transcript NM_015102.5 (MANE Select); coding-DNA position 2093, C replaced by T.
Protein change: p.Ala698Val; replaces alanine 698 with valine.
Molecular consequence: missense variant. On other transcripts: non-coding transcript variant (1).
Genome position (GRCh38, 1-based): chr1:5,904,667, G>A on the plus strand (C>T on the coding strand, the complement: NPHP4 is on the minus strand). VCF-style: chr1-5904667-G-A. GRCh37 (hg19) VCF-style: chr1-5964727-G-A.
Other names: c.554C>T, p.Ala185Val (NM_001291593.2); c.557C>T, p.Ala186Val (NM_001291594.2); c.2093C>T (NM_015102.3); short protein forms A698V, A185V, A186V.
Identifiers: ClinVar variation 500245 (VCV000500245.13), dbSNP rs745698836, ClinGen allele CA17124289.